The following is an entry in ClinVar:

ClinVar aggregate classification (germline): Uncertain significance (1 of 4 stars; one submission).

Allele frequency attached by ClinVar (database versions not stated): gnomAD exomes 0.00001; ExAC 0.00014; gnomAD 0.00018; TOPMed 0.00018.
gnomAD v4.1: 45 of 1,519,838 alleles (0.003%); highest among the groups gnomAD compares: African/African-American, 0.056%; no homozygotes.

Submission:

Labcorp Genetics (formerly Invitae), Labcorp
Classification: Uncertain significance. Last evaluated: 2022-10-18. Review status: criteria provided, single submitter. Criteria: Invitae Variant Classification Sherloc (09022015). Collection method: clinical testing. Allele origin: germline.
Comment: This sequence change replaces glycine, which is neutral and non-polar, with arginine, which is basic and polar, at codon 3 of the BMP1 protein (p.Gly3Arg). This variant is present in population databases (rs781421569, gnomAD 0.08%). This variant has not been reported in the literature in individuals affected with BMP1-related conditions. Algorithms developed to predict the effect of missense changes on protein structure and function (SIFT, PolyPhen-2, Align-GVGD) all suggest that this variant is likely to be tolerated. In summary, the available evidence is currently insufficient to determine the role of this variant in disease. Therefore, it has been classified as a Variant of Uncertain Significance.

NM_006129.5(BMP1):c.7G>C (p.Gly3Arg)

Genes: BMP1 (bone morphogenetic protein 1; plus strand), LOC129999976 (ATAC-STARR-seq lymphoblastoid silent region 18982; plus strand). Cytogenetic location: 8p21.3.
Variant type: single nucleotide variant.
Coding change: c.7G>C on transcript NM_006129.5 (MANE Select); coding-DNA position 7, G replaced by C.
Protein change: p.Gly3Arg; replaces glycine 3 with arginine.
Molecular consequence: missense variant. On other transcripts: non-coding transcript variant (2).
Genome position (GRCh38, 1-based): chr8:22,165,412, G>C. VCF-style: chr8-22165412-G-C. GRCh37 (hg19) VCF-style: chr8-22022925-G-C.
Other names: c.7G>C, p.Gly3Arg (NM_001199.4); short protein forms G3R.
Identifiers: ClinVar variation 2070218 (VCV002070218.1), dbSNP rs781421569, ClinGen allele CA4664123.
Genomic context (GRCh38, chr8:22,165,412, plus strand): 5'-GACGCCCTCCCCTGGCCTCCAGTGCGCCGCTTCCCTCGCCGCCGCCCCGCCAGCATGCCC[G>C]GCGTGGCCCGCCTGCCGCTGCTGCTCGGGCTGCTGCTGCTCCCGCGTCCCGGCCGGCCGC-3'
Protein context (NP_006120.1, residues 1-13): MP[Gly3Arg]VARLPLLLGL